The following is an entry in ClinVar:

ClinVar aggregate classification (germline): Uncertain significance (1 of 4 stars; one submission).

Conditions:
Familial thoracic aortic aneurysm and aortic dissection (TAAD). Also called: Thoracic aortic aneurysms and dissections. Identifiers: Orphanet 91387, MedGen C4707243, MONDO:0019625.

Allele frequency attached by ClinVar (database versions not stated): TOPMed 0.00001.

Submission:

All of Us Research Program, National Institutes of Health
Classification: Uncertain significance for Familial thoracic aortic aneurysm and aortic dissection. Last evaluated: 2024-06-09. Review status: criteria provided, single submitter. Criteria: ACMG Guidelines, 2015. Collection method: clinical testing. Allele origin: germline. Inheritance: Autosomal dominant inheritance. Observed: 2 variant alleles, 2 heterozygotes.
Comment: This missense variant replaces histidine with leucine at codon 289 of the MYH11 protein. Computational prediction suggests that this variant may have deleterious impact on protein structure and function (internally defined REVEL score threshold >= 0.7, PMID: 27666373). To our knowledge, functional studies have not been reported for this variant. This variant has not been reported in individuals affected with MYH11-related disorders in the literature. This variant has not been identified in the general population by the Genome Aggregation Database (gnomAD). The available evidence is insufficient to determine the role of this variant in disease conclusively. Therefore, this variant is classified as a Variant of Uncertain Significance.

This study involves interpretation of variants in research participants for the purpose of population health screening. Participant phenotype was not available at the time of variant classification. Additional details can be found in publication PMID: 35346344, PMCID: PMC8962531

NM_002474.3(MYH11):c.845A>T (p.His282Leu)

Gene: MYH11 (myosin heavy chain 11; minus strand). Cytogenetic location: 16p13.11.
Variant type: single nucleotide variant.
Coding change: c.845A>T on transcript NM_002474.3 (MANE Select); coding-DNA position 845, A replaced by T.
Protein change: p.His282Leu; replaces histidine 282 with leucine.
Molecular consequence: missense variant.
Genome position (GRCh38, 1-based): chr16:15,776,122, T>A on the plus strand (A>T on the coding strand, the complement: MYH11 is on the minus strand). VCF-style: chr16-15776122-T-A. GRCh37 (hg19) VCF-style: chr16-15869979-T-A.
Other names: c.866A>T, p.His289Leu (NM_001040113.2, NM_001040114.2); c.845A>T, p.His282Leu (NM_022844.3); short protein forms H282L, H289L.
Identifiers: ClinVar variation 3071368 (VCV003071368.2), dbSNP rs2042215431, ClinGen allele CA394869519.